The following is an entry in ClinVar:

ClinVar aggregate classification (germline): Uncertain significance (1 of 4 stars; one submission).

Allele frequency attached by ClinVar (database versions not stated): ExAC 0.00001; gnomAD 0.00003.
gnomAD v4.1: 60 of 1,614,014 alleles (0.0037%); highest among the groups gnomAD compares: Non-Finnish European, 0.0049%; no homozygotes.

Submission:

Labcorp Genetics (formerly Invitae), Labcorp
Classification: Uncertain significance. Last evaluated: 2024-04-15. Review status: criteria provided, single submitter. Criteria: Invitae Variant Classification Sherloc (09022015). Collection method: clinical testing. Allele origin: germline.
Comment: This sequence change replaces threonine, which is neutral and polar, with proline, which is neutral and non-polar, at codon 818 of the VCAN protein (p.Thr818Pro). The frequency data for this variant in the population databases is considered unreliable, as metrics indicate poor data quality at this position in the gnomAD database. This variant has not been reported in the literature in individuals affected with VCAN-related conditions. An algorithm developed to predict the effect of missense changes on protein structure and function (PolyPhen-2) suggests that this variant is likely to be disruptive. In summary, the available evidence is currently insufficient to determine the role of this variant in disease. Therefore, it has been classified as a Variant of Uncertain Significance.

NM_004385.5(VCAN):c.2452A>C (p.Thr818Pro)

Gene: VCAN (versican; plus strand). Cytogenetic location: 5q14.3.
Variant type: single nucleotide variant.
Coding change: c.2452A>C on transcript NM_004385.5 (MANE Select); coding-DNA position 2452, A replaced by C.
Protein change: p.Thr818Pro; replaces threonine 818 with proline.
Molecular consequence: missense variant. On other transcripts: intron variant (2).
Genome position (GRCh38, 1-based): chr5:83,520,758, A>C. VCF-style: chr5-83520758-A-C. GRCh37 (hg19) VCF-style: chr5-82816577-A-C.
Other names: c.2452A>C, p.Thr818Pro (NM_001164098.2); c.1042+8362A>C (NM_001164097.2, NM_001126336.3); short protein forms T818P.
Identifiers: ClinVar variation 2732293 (VCV002732293.3), dbSNP rs748947582, ClinGen allele CA3332845.
Genomic context (GRCh38, chr5:83,520,758, plus strand): 5'-GCCACTGTATCAAAATGGTCATGGGATGAAGATAATACAACATCCAAGCCTTTAGAGTCT[A>C]CAGAACCTTCAGCCTCTTCAAAATTGCCCCCTGCCTTACTCACAACTGTGGGGATGAATG-3'
Protein context (NP_004376.2, residues 808-828): DNTTSKPLES[Thr818Pro]EPSASSKLPP